The following is an entry in ClinVar:

NM_005359.6(SMAD4):c.1141T>C (p.Leu381=)

Gene: SMAD4 (SMAD family member 4; plus strand). Cytogenetic location: 18q21.2.
Variant type: single nucleotide variant.
Coding change: c.1141T>C on transcript NM_005359.6 (MANE Select); coding-DNA position 1141, T replaced by C.
Protein change: p.Leu381=; no amino-acid change (leucine 381 retained).
Molecular consequence: synonymous variant. On other transcripts: non-coding transcript variant (1).
Genome position (GRCh38, 1-based): chr18:51,067,020, T>C. VCF-style: chr18-51067020-T-C. GRCh37 (hg19) VCF-style: chr18-48593390-T-C.
Other names: c.1141T>C, p.Leu381= (NM_001407041.1, NM_001407042.1).
Identifiers: ClinVar variation 3903931 (VCV003903931.1).

ClinVar aggregate classification (germline): Benign (1 of 4 stars; one submission).

Conditions:
Juvenile polyposis/hereditary hemorrhagic telangiectasia syndrome (JPHT). Also called: JP/HHT SYNDROME; JUVENILE POLYPOSIS WITH HEREDITARY HEMORRHAGIC TELANGIECTASIA; POLYPOSIS, GENERALIZED JUVENILE, WITH PULMONARY ARTERIOVENOUS MALFORMATION; TELANGIECTASIA, HEREDITARY HEMORRHAGIC, WITH JUVENILE POLYPOSIS COLI; Juvenile Polyposis Syndrome / Hereditary Hemorrhagic Telangiectasia (JPS/HHT). Identifiers: Orphanet 2929, MedGen C1832942, MONDO:0008278, OMIM 175050.

Submission:

Myriad Genetics, Inc.
Classification: Benign for Juvenile polyposis/hereditary hemorrhagic telangiectasia syndrome. Last evaluated: 2025-03-21. Review status: criteria provided, single submitter. Criteria: Myriad Autosomal Dominant, Autosomal Recessive and X-Linked Classification Criteria (2023). Collection method: clinical testing. Allele origin: unknown.
Comment: This variant is considered benign. This variant is a silent/synonymous amino acid change and it is not expected to impact splicing.